The following is an entry in ClinVar:

ClinVar aggregate classification (germline): Benign (1 of 4 stars; one submission).

Submission:

GeneDx
Classification: Benign. Last evaluated: 2018-06-14. Review status: criteria provided, single submitter. Criteria: GeneDx Variant Classification (06012015). Collection method: clinical testing. Allele origin: germline. Affected: yes.
Comment: This variant is considered likely benign or benign based on one or more of the following criteria: it is a conservative change, it occurs at a poorly conserved position in the protein, it is predicted to be benign by multiple in silico algorithms, and/or has population frequency not consistent with disease.

NM_001267550.2(TTN):c.54382-153del

Genes: TTN (titin; minus strand), TTN-AS1 (TTN antisense RNA 1; plus strand). Cytogenetic location: 2q31.2.
Variant type: Deletion.
Coding change: c.54382-153del on transcript NM_001267550.2 (MANE Select); 153 bases into the intron before coding-DNA position 54382, one base deleted (A; older notation c.54382-153delA).
Molecular consequence: intron variant.
Genome position (GRCh38, 1-based): chr2:178,604,458, T deleted on the plus strand (A on the coding strand, the reverse complement: TTN is on the minus strand); the first of 7 consecutive T bases (chr2:178,604,458-178,604,464); deleting any one gives the same sequence. VCF-style (leftmost placement, unchanged base first): chr2-178604457-CT-C. GRCh37 (hg19) VCF-style: chr2-179469184-CT-C.
Other names: c.49459-153del (NM_001256850.1); c.27187-153del (NM_003319.4); c.27763-153del (NM_133437.4); c.27562-153del (NM_133432.3); c.46678-153del (NM_133378.4); c.49459-153delA (NM_001256850.1).
Identifiers: ClinVar variation 675417 (VCV000675417.1), dbSNP rs72646817, ClinGen allele CA60979959.